The following is an entry in ClinVar:

ClinVar aggregate classification (germline): Conflicting classifications of pathogenicity. Review status: criteria provided, conflicting classifications (1 of 4 stars). 12 submissions from 12 submitters: Uncertain significance (1); Likely benign (7). 4 of the submissions do not count toward it. Last evaluated 2026-01-25.

Conditions:
Walker-Warburg congenital muscular dystrophy. Also called: Muscular dystrophy-dystroglycanopathy, type A; Walker-Warburg syndrome. Identifiers: Orphanet 899, MedGen C0265221, MONDO:0000171.
FKRP-related disorder. Also called: FKRP-related condition.
Cardiovascular phenotype. Identifiers: MedGen CN230736.
Autosomal recessive limb-girdle muscular dystrophy type 2I. Also called: MUSCULAR DYSTROPHY-DYSTROGLYCANOPATHY (LIMB-GIRDLE), TYPE C, 5; MUSCULAR DYSTROPHY, LIMB-GIRDLE, TYPE 2I; MUSCULAR DYSTROPHY-DYSTROGLYCANOPATHY, LIMB-GIRDLE, FRKP-RELATED. Identifiers: Orphanet 34515, MedGen C1846672, MONDO:0011787, OMIM 607155.

Allele frequency attached by ClinVar (database versions not stated): gnomAD exomes 0.00005 and 0.00014; ExAC 0.00022; ESP Exome Variant Server 0.00049; TOPMed 0.00054; gnomAD 0.00066 and 0.00067; 1000 Genomes Project 30x 0.00094; 1000 Genomes Project 0.00100.

Submissions (12):

Labcorp Genetics (formerly Invitae), Labcorp
Classification: Likely benign for Walker-Warburg congenital muscular dystrophy. Last evaluated: 2026-01-25. Review status: criteria provided, single submitter. Criteria: Invitae Variant Classification Sherloc (09022015). Collection method: clinical testing. Allele origin: germline.

Mayo Clinic Laboratories, Mayo Clinic
Classification: Likely benign. Last evaluated: 2025-10-10. Review status: criteria provided, single submitter. Criteria: ACMG Guidelines, 2015. Collection method: clinical testing. Allele origin: germline. Observed: 2 variant alleles.
Comment: BP4, BP7

Women's Health and Genetics/Laboratory Corporation of America, LabCorp
Classification: Likely benign. Last evaluated: 2025-06-12. Review status: criteria provided, single submitter. Criteria: LabCorp Variant Classification Summary - May 2015. Collection method: clinical testing. Allele origin: germline.

Molecular Diagnostic Laboratory for Inherited Cardiovascular Disease, Montreal Heart Institute
Classification: Likely benign. Last evaluated: 2025-04-09. Review status: criteria provided, single submitter. Criteria: ACMG Guidelines, 2015. Collection method: clinical testing. Allele origin: germline. Affected: no.
Comment: BS1;BP7

Blueprint Genetics
Classification: Likely benign. Last evaluated: 2024-08-23. Review status: criteria provided, single submitter. Criteria: ACMG Guidelines, 2015. Collection method: clinical testing. Allele origin: germline.

GeneDx
Classification: Likely benign. Last evaluated: 2020-06-05. Review status: criteria provided, single submitter. Criteria: GeneDx Variant Classification Process June 2021. Collection method: clinical testing. Allele origin: germline. Affected: yes.

Ambry Genetics
Classification: Likely benign for Cardiovascular phenotype. Last evaluated: 2019-01-07. Review status: criteria provided, single submitter. Criteria: Ambry Variant Classification Scheme 2023. Collection method: clinical testing. Allele origin: germline.

Eurofins Ntd Llc (ga)
Classification: Uncertain significance. Last evaluated: 2018-01-23. Review status: criteria provided, single submitter. Criteria: EGL Classification Definitions 2015. Collection method: clinical testing. Allele origin: germline. Observed: 4 variant alleles, 4 heterozygotes.

Natera, Inc.
Classification: Likely benign for Limb-girdle muscular dystrophy type 2I. Last evaluated: 2021-07-13. Review status: no assertion criteria provided. Collection method: clinical testing. Allele origin: germline. Not counted in ClinVar's aggregate classification.

PreventionGenetics, part of Exact Sciences
Classification: Likely benign for FKRP-related condition. Last evaluated: 2019-10-15. Review status: no assertion criteria provided. Collection method: clinical testing. Allele origin: germline. Not counted in ClinVar's aggregate classification.
Comment: This variant is classified as likely benign based on ACMG/AMP sequence variant interpretation guidelines (Richards et al. 2015 PMID: 25741868, with internal and published modifications).

Clinical Genetics DNA and cytogenetics Diagnostics Lab, Erasmus MC, Erasmus Medical Center
Classification: Likely benign. Review status: no assertion criteria provided. Collection method: clinical testing. Allele origin: germline. Affected: yes. Study: VKGL Data-share Consensus. Not counted in ClinVar's aggregate classification.

Clinical Genetics, Academic Medical Center
Classification: Benign. Review status: no assertion criteria provided. Collection method: clinical testing. Allele origin: germline. Affected: yes. Study: VKGL Data-share Consensus. Not counted in ClinVar's aggregate classification.

NM_024301.5(FKRP):c.606G>A (p.Leu202=)

Gene: FKRP (fukutin related protein; plus strand). Cytogenetic location: 19q13.32.
Variant type: single nucleotide variant.
Coding change: c.606G>A on transcript NM_024301.5 (MANE Select); coding-DNA position 606, G replaced by A.
Protein change: p.Leu202=; no amino-acid change (leucine 202 retained).
Molecular consequence: synonymous variant.
Genome position (GRCh38, 1-based): chr19:46,756,056, G>A. VCF-style: chr19-46756056-G-A. GRCh37 (hg19) VCF-style: chr19-47259313-G-A.
Other names: p.Leu202=; c.606G>A, p.Leu202= (NM_001039885.3).
Identifiers: ClinVar variation 96113 (VCV000096113.27), dbSNP rs140084192, ClinGen allele CA223743.